The following is an entry in ClinVar:

NM_000435.3(NOTCH3):c.6587_6592dup (p.Asn2197_Pro2198insLeuAsn)

Gene: NOTCH3 (notch receptor 3; minus strand). Cytogenetic location: 19p13.12.
Variant type: Duplication.
Coding change: c.6587_6592dup on transcript NM_000435.3 (MANE Select); coding-DNA positions 6587 to 6592, 6 bases duplicated (TCAACC; older notation c.6587_6592dupTCAACC).
Protein change: p.Asn2197_Pro2198insLeuAsn.
Molecular consequence: inframe insertion.
Genome position (GRCh38, 1-based): chr19:15,161,036-15,161,041, GGTTGA duplicated on the plus strand (TCAACC on the coding strand, the reverse complement: NOTCH3 is on the minus strand); duplicating any 6 consecutive bases within chr19:15,161,036-15,161,042 gives the same sequence; the c. name uses the placement nearest the transcript's 3' end. VCF-style (leftmost placement, unchanged base first): chr19-15161035-G-GGGTTGA. GRCh37 (hg19) VCF-style: chr19-15271846-G-GGGTTGA.
Identifiers: ClinVar variation 1938313 (VCV001938313.7), dbSNP rs1193463456, ClinGen allele CA783609820.

ClinVar aggregate classification (germline): Uncertain significance. Review status: criteria provided, multiple submitters, no conflicts (2 of 4 stars). 2 submissions from 2 submitters: Uncertain significance (2). Last evaluated 2026-02-05.

Conditions:
Cerebral arteriopathy, autosomal dominant, with subcortical infarcts and leukoencephalopathy, type 1 (CADASIL1). Also called: CADASIL 1; CASIL; Cerebral arteriopathy with subcortical infarcts and leukoencephalopathy 1; DEMENTIA, HEREDITARY MULTIINFARCT TYPE. Identifiers: Orphanet 136, MedGen C4551768, MONDO:0000914, OMIM 125310.

Submissions (2):

Dasa
Classification: Uncertain significance for Cerebral arteriopathy, autosomal dominant, with subcortical infarcts and leukoencephalopathy, type 1. Last evaluated: 2026-02-05. Review status: criteria provided, single submitter. Criteria: DASA Assertion Criteria. Collection method: clinical testing. Allele origin: germline.
Comment: NM_000435.3(NOTCH3):c.6587_6592dup (p.Leu2196_Asn2197dup) is an in-frame duplication predicted to duplicate amino acids from leucine at protein position 2196 through asparagine at protein position 2197 without shifting the reading frame. This variant is rare in population databases. The currently available literature and clinical evidence are not sufficient to establish a definitive association between this variant and the reported condition. Therefore, this variant is classified as a variant of uncertain significance.

Labcorp Genetics (formerly Invitae), Labcorp
Classification: Uncertain significance. Last evaluated: 2025-07-24. Review status: criteria provided, single submitter. Criteria: Invitae Variant Classification Sherloc (09022015). Collection method: clinical testing. Allele origin: germline.
Comment: This variant, c.6587_6592dup, results in the insertion of 2 amino acid(s) of the NOTCH3 protein (p.Leu2196_Asn2197dup), but otherwise preserves the integrity of the reading frame. This variant is not present in population databases (gnomAD no frequency). This variant has not been reported in the literature in individuals affected with NOTCH3-related conditions. ClinVar contains an entry for this variant (Variation ID: 1938313). In summary, the available evidence is currently insufficient to determine the role of this variant in disease. Therefore, it has been classified as a Variant of Uncertain Significance.